The following is an entry in ClinVar:

ClinVar aggregate classification (germline): Uncertain significance (1 of 4 stars; one submission).

Conditions:
MIR17HG-related disorder. Also called: MIR17HG-related condition.

gnomAD v4.1: 20 of 152,330 alleles (0.013%); highest among the groups gnomAD compares: South Asian, 0.33%; no homozygotes.

Submission:

PreventionGenetics, part of Exact Sciences
Classification: Uncertain significance for MIR17HG-related condition. Last evaluated: 2024-11-15. Review status: criteria provided, single submitter. Criteria: ACMG Guidelines, 2015. Collection method: clinical testing. Allele origin: germline.
Comment: The MIR17HG n.4988A>T is a noncoding alteration. To our knowledge, this variant has not been reported in the literature. This variant is reported in 0.0065% of alleles in individuals of European (Non-Finnish) descent in gnomAD. At this time, the clinical significance of this variant is uncertain due to the absence of conclusive functional and genetic evidence.

NR_197388.1(MIR17HG):n.4736A>T

Gene: MIR17HG (miR-17-92a-1 cluster host gene; plus strand). Cytogenetic location: 13q31.3.
Variant type: single nucleotide variant.
Molecular consequence: non-coding transcript variant (on NR_197388.1).
Genome position: GRCh38 VCF-style: chr13-91354545-A-T. GRCh37 (hg19) VCF-style: chr13-92006799-A-T.
Identifiers: ClinVar variation 4981243 (VCV004981243.1).